The following is an entry in ClinVar:

ClinVar aggregate classification (germline): Uncertain significance (1 of 4 stars; one submission).

Conditions:
Inborn genetic diseases. Identifiers: MedGen C0950123, MeSH D030342.

gnomAD v4.1: 2 of 1,613,890 alleles (0.00012%); highest among the groups gnomAD compares: Non-Finnish European, 0.00017%; no homozygotes.

Submission:

Ambry Genetics
Classification: Uncertain significance for Inborn genetic diseases. Last evaluated: 2023-09-13. Review status: criteria provided, single submitter. Criteria: Ambry Variant Classification Scheme 2023. Collection method: clinical testing. Allele origin: germline.
Comment: The c.27G>C (p.Q9H) alteration is located in coding exon 1 of the SLX4 gene. This alteration results from a G to C substitution at nucleotide position 27, causing the glutamine (Q) at amino acid position 9 to be replaced by a histidine (H). This variant was not reported in population-based cohorts in the Genome Aggregation Database (gnomAD). This amino acid position is not well conserved in available vertebrate species. This alteration is predicted to be tolerated by in silico analysis. Based on insufficient or conflicting evidence, the clinical significance of this alteration remains unclear.

NM_032444.4(SLX4):c.27G>C (p.Gln9His)

Gene: SLX4 (SLX4 structure-specific endonuclease subunit; minus strand). Cytogenetic location: 16p13.3.
Variant type: single nucleotide variant.
Coding change: c.27G>C on transcript NM_032444.4 (MANE Select); coding-DNA position 27, G replaced by C.
Protein change: p.Gln9His; replaces glutamine 9 with histidine.
Molecular consequence: missense variant.
Genome position (GRCh38, 1-based): chr16:3,608,938, C>G on the plus strand (G>C on the coding strand, the complement: SLX4 is on the minus strand). VCF-style: chr16-3608938-C-G. GRCh37 (hg19) VCF-style: chr16-3658939-C-G.
Other names: short protein forms Q9H.
Identifiers: ClinVar variation 2623328 (VCV002623328.2), dbSNP rs761333150, ClinGen allele CA394548115.